The following is an entry in ClinVar:

NM_005033.3(EXOSC9):c.1313C>T (p.Ala438Val)

Genes: CCNA2 (cyclin A2; minus strand), EXOSC9 (exosome component 9; plus strand). Cytogenetic location: 4q27.
Variant type: single nucleotide variant.
Coding change: c.1313C>T on transcript NM_005033.3 (MANE Select); coding-DNA position 1313, C replaced by T.
Protein change: p.Ala438Val; replaces alanine 438 with valine.
Molecular consequence: missense variant. On other transcripts: 3 prime UTR variant (1).
Genome position (GRCh38, 1-based): chr4:121,816,849, C>T. VCF-style: chr4-121816849-C-T. GRCh37 (hg19) VCF-style: chr4-122738004-C-T.
Other names: c.1364C>T, p.Ala455Val (NM_001034194.2); c.*789G>A (NM_001237.5); short protein forms A455V, A438V.
Identifiers: ClinVar variation 1431474 (VCV001431474.6), dbSNP rs751255089, ClinGen allele CA104741059.

ClinVar aggregate classification (germline): Uncertain significance. Review status: criteria provided, multiple submitters, no conflicts (2 of 4 stars). 2 submissions from 2 submitters: Uncertain significance (2). Last evaluated 2022-05-31.

Allele frequency attached by ClinVar (database versions not stated): gnomAD 0.00001 and 0.00002.
gnomAD v4.1: 17 of 1,583,996 alleles (0.0011%); highest among the groups gnomAD compares: Non-Finnish European, 0.0013%; no homozygotes.

Submissions (2):

Labcorp Genetics (formerly Invitae), Labcorp
Classification: Uncertain significance. Last evaluated: 2022-05-31. Review status: criteria provided, single submitter. Criteria: Invitae Variant Classification Sherloc (09022015). Collection method: clinical testing. Allele origin: germline.
Comment: This sequence change replaces alanine, which is neutral and non-polar, with valine, which is neutral and non-polar, at codon 455 of the EXOSC9 protein (p.Ala455Val). This variant is not present in population databases (gnomAD no frequency). This variant has not been reported in the literature in individuals affected with EXOSC9-related conditions. ClinVar contains an entry for this variant (Variation ID: 1431474). Algorithms developed to predict the effect of missense changes on protein structure and function output the following: SIFT: "Deleterious"; PolyPhen-2: "Not Available"; Align-GVGD: "Class C0". The valine amino acid residue is found in multiple mammalian species, which suggests that this missense change does not adversely affect protein function. In summary, the available evidence is currently insufficient to determine the role of this variant in disease. Therefore, it has been classified as a Variant of Uncertain Significance.

Breakthrough Genomics
Classification: Uncertain significance. Review status: criteria provided, single submitter. Criteria: ACMG Guidelines, 2015. Collection method: not provided. Allele origin: germline. Inheritance: Autosomal recessive inheritance. Affected: yes.